The following is an entry in ClinVar:

NM_005188.4(CBL):c.1564-18T>C

Gene: CBL (Cbl proto-oncogene; plus strand). Cytogenetic location: 11q23.3.
Variant type: single nucleotide variant.
Coding change: c.1564-18T>C on transcript NM_005188.4 (MANE Select); 18 bases into the intron before coding-DNA position 1564, T replaced by C.
Molecular consequence: intron variant.
Genome position (GRCh38, 1-based): chr11:119,285,171, T>C. VCF-style: chr11-119285171-T-C. GRCh37 (hg19) VCF-style: chr11-119155881-T-C.
Identifiers: ClinVar variation 383220 (VCV000383220.10), dbSNP rs754540533, ClinGen allele CA6318562.

ClinVar aggregate classification (germline): Likely benign. Review status: criteria provided, multiple submitters, no conflicts (2 of 4 stars). 2 submissions from 2 submitters: Likely benign (2). Last evaluated 2025-09-02.

Conditions:
RASopathy. Also called: rasopathies; Noonan spectrum disorder. Identifiers: Orphanet 536391, MedGen C5555857, MONDO:0021060.

Allele frequency attached by ClinVar (database versions not stated): gnomAD exomes below 0.00001 and 0.00001; ExAC 0.00001; TOPMed 0.00002; gnomAD 0.00003 and 0.00004.
gnomAD v4.1: 13 of 1,614,036 alleles (0.00081%); highest among the groups gnomAD compares: African/African-American, 0.0013%; no homozygotes.

Submissions (2):

Labcorp Genetics (formerly Invitae), Labcorp
Classification: Likely benign for RASopathy. Last evaluated: 2025-09-02. Review status: criteria provided, single submitter. Criteria: Invitae Variant Classification Sherloc (09022015). Collection method: clinical testing. Allele origin: germline.

GeneDx
Classification: Likely benign. Last evaluated: 2016-01-20. Review status: criteria provided, single submitter. Criteria: GeneDx Variant Classification (06012015). Collection method: clinical testing. Allele origin: germline. Affected: yes.
Comment: This variant is considered likely benign or benign based on one or more of the following criteria: it is a conservative change, it occurs at a poorly conserved position in the protein, it is predicted to be benign by multiple in silico algorithms, and/or has population frequency not consistent with disease.